The following is an entry in ClinVar:

NM_001034850.3(RETREG1):c.459-25146G>T

Gene: RETREG1 (reticulophagy regulator 1; minus strand). Cytogenetic location: 5p15.1.
Variant type: single nucleotide variant.
Coding change: c.459-25146G>T on transcript NM_001034850.3 (MANE Select); 25146 bases into the intron before coding-DNA position 459, G replaced by T.
Molecular consequence: intron variant. On other transcripts: 5 prime UTR variant (1).
Genome position (GRCh38, 1-based): chr5:16,508,618, C>A on the plus strand (G>T on the coding strand, the complement: RETREG1 is on the minus strand). VCF-style: chr5-16508618-C-A. GRCh37 (hg19) VCF-style: chr5-16508727-C-A.
Other names: c.-6G>T (NM_019000.5).
Identifiers: ClinVar variation 4990454 (VCV004990454.1).

ClinVar aggregate classification (germline): Likely benign (1 of 4 stars; one submission).

Conditions:
RETREG1-related disorder. Also called: RETREG1-related condition.

gnomAD v4.1: 5 of 1,614,008 alleles (0.00031%); highest among the groups gnomAD compares: Non-Finnish European, 0.00042%; no homozygotes.

Submission:

PreventionGenetics, part of Exact Sciences
Classification: Likely benign for RETREG1-related condition. Last evaluated: 2026-06-23. Review status: criteria provided, single submitter. Criteria: ACMG Guidelines, 2015. Collection method: clinical testing. Allele origin: germline.
Comment: This variant is classified as likely benign based on ACMG/AMP sequence variant interpretation guidelines (Richards et al. 2015 PMID: 25741868, with internal and published modifications).